The following is an entry in ClinVar:

ClinVar aggregate classification (germline): Uncertain significance. Review status: criteria provided, multiple submitters, no conflicts (2 of 4 stars). 2 submissions from 2 submitters: Uncertain significance (2). Last evaluated 2025-02-21.

Conditions:
Bloom syndrome (BLM). Also called: Bloom-Torre-Machacek syndrome. Identifiers: Orphanet 125, MedGen C0005859, MONDO:0008876, OMIM 210900.
Hereditary cancer-predisposing syndrome. Also called: Neoplastic Syndromes, Hereditary; Tumor predisposition; Hereditary neoplastic syndrome; Hereditary Cancer Syndrome. Identifiers: Orphanet 140162, MedGen C0027672, MeSH D009386, MONDO:0015356.

Allele frequency attached by ClinVar (database versions not stated): TOPMed 0.00001.
gnomAD v4.1: 3 of 1,613,926 alleles (0.00019%); highest among the groups gnomAD compares: Non-Finnish European, 0.00025%; no homozygotes.

Submissions (2):

Ambry Genetics
Classification: Uncertain significance for Hereditary cancer-predisposing syndrome. Last evaluated: 2025-02-21. Review status: criteria provided, single submitter. Criteria: Ambry Variant Classification Scheme 2023. Collection method: clinical testing. Allele origin: germline.
Comment: The p.G1308R variant (also known as c.3922G>C), located in coding exon 20 of the BLM gene, results from a G to C substitution at nucleotide position 3922. The glycine at codon 1308 is replaced by arginine, an amino acid with dissimilar properties. This amino acid position is poorly conserved in available vertebrate species. In addition, this alteration is predicted to be tolerated by in silico analysis. Since supporting evidence is limited at this time, the clinical significance of this alteration remains unclear.

Labcorp Genetics (formerly Invitae), Labcorp
Classification: Uncertain significance for Bloom syndrome. Last evaluated: 2023-03-04. Review status: criteria provided, single submitter. Criteria: Invitae Variant Classification Sherloc (09022015). Collection method: clinical testing. Allele origin: germline.
Comment: In summary, the available evidence is currently insufficient to determine the role of this variant in disease. Therefore, it has been classified as a Variant of Uncertain Significance. Advanced modeling of protein sequence and biophysical properties (such as structural, functional, and spatial information, amino acid conservation, physicochemical variation, residue mobility, and thermodynamic stability) performed at Invitae indicates that this missense variant is not expected to disrupt BLM protein function. ClinVar contains an entry for this variant (Variation ID: 824387). This variant has not been reported in the literature in individuals affected with BLM-related conditions. This variant is present in population databases (no rsID available, gnomAD 0.0009%). This sequence change replaces glycine, which is neutral and non-polar, with arginine, which is basic and polar, at codon 1308 of the BLM protein (p.Gly1308Arg).

NM_000057.4(BLM):c.3922G>C (p.Gly1308Arg)

Gene: BLM (BLM RecQ like helicase; plus strand). Cytogenetic location: 15q26.1.
Variant type: single nucleotide variant.
Coding change: c.3922G>C on transcript NM_000057.4 (MANE Select); coding-DNA position 3922, G replaced by C.
Protein change: p.Gly1308Arg; replaces glycine 1308 with arginine.
Molecular consequence: missense variant.
Genome position (GRCh38, 1-based): chr15:90,811,252, G>C. VCF-style: chr15-90811252-G-C. GRCh37 (hg19) VCF-style: chr15-91354482-G-C.
Other names: c.3922G>C, p.Gly1308Arg (NM_001287246.2); c.3529G>C, p.Gly1177Arg (NM_001287247.2); c.2797G>C, p.Gly933Arg (NM_001287248.2); short protein forms G1308R, G933R, G1177R.
Identifiers: ClinVar variation 824387 (VCV000824387.11), dbSNP rs768010078, ClinGen allele CA393850611.